The following is an entry in ClinVar:

NM_000065.5(C6):c.458C>A (p.Ala153Asp)

Gene: C6 (complement C6; minus strand). Cytogenetic location: 5p13.1.
Variant type: single nucleotide variant.
Coding change: c.458C>A on transcript NM_000065.5 (MANE Select); coding-DNA position 458, C replaced by A.
Protein change: p.Ala153Asp; replaces alanine 153 with aspartic acid.
Molecular consequence: missense variant.
Genome position (GRCh38, 1-based): chr5:41,195,921, G>T on the plus strand (C>A on the coding strand, the complement: C6 is on the minus strand). VCF-style: chr5-41195921-G-T. GRCh37 (hg19) VCF-style: chr5-41196023-G-T.
Other names: c.458C>A, p.Ala153Asp (NM_001115131.4); short protein forms A153D.
Identifiers: ClinVar variation 2187438 (VCV002187438.2), dbSNP rs758918943, ClinGen allele CA3252771.
Genomic context (GRCh38, chr5:41,195,921, plus strand): 5'-CAGTCCCTTTCATCTGAATTGTCTCCACAGTCATTTTCTCCATTGCATTCTAACTTTCTG[G>T]CAATGCAGCGGCCTAGTCAAGAAAAGCAAACAAAATCAATGCAACAAATTATCATTTTAG-3'
Protein context (NP_000056.2, residues 143-163): KFRCDSGRCI[Ala153Asp]RKLECNGEND

ClinVar aggregate classification (germline): Uncertain significance (1 of 4 stars; one submission).

Allele frequency attached by ClinVar (database versions not stated): ExAC 0.00001.

Submission:

Labcorp Genetics (formerly Invitae), Labcorp
Classification: Uncertain significance. Last evaluated: 2022-04-15. Review status: criteria provided, single submitter. Criteria: Invitae Variant Classification Sherloc (09022015). Collection method: clinical testing. Allele origin: germline.
Comment: In summary, the available evidence is currently insufficient to determine the role of this variant in disease. Therefore, it has been classified as a Variant of Uncertain Significance. Algorithms developed to predict the effect of missense changes on protein structure and function are either unavailable or do not agree on the potential impact of this missense change (SIFT: "Tolerated"; PolyPhen-2: "Possibly Damaging"; Align-GVGD: "Class C0"). This sequence change replaces alanine, which is neutral and non-polar, with aspartic acid, which is acidic and polar, at codon 153 of the C6 protein (p.Ala153Asp). This variant is not present in population databases (gnomAD no frequency). This variant has not been reported in the literature in individuals affected with C6-related conditions.